The following is an entry in ClinVar:

ClinVar aggregate classification (germline): Uncertain significance (1 of 4 stars; one submission).

Conditions:
Neurofibromatosis, type 1 (NF1). Also called: NEUROFIBROMATOSIS, TYPE I, SOMATIC; VON RECKLINGHAUSEN DISEASE; Peripheral type neurofibromatosis; Neurofibromatosis, type I. Identifiers: Orphanet 636, MedGen C0027831, MONDO:0018975, OMIM 162200. Disease mechanism: loss of function.

Allele frequency attached by ClinVar (database versions not stated): TOPMed below 0.00001.

Submission:

Labcorp Genetics (formerly Invitae), Labcorp
Classification: Uncertain significance for Neurofibromatosis, type 1. Last evaluated: 2024-07-30. Review status: criteria provided, single submitter. Criteria: Invitae Variant Classification Sherloc (09022015). Collection method: clinical testing. Allele origin: germline.
Comment: This sequence change falls in intron 27 of the NF1 gene. It does not directly change the encoded amino acid sequence of the NF1 protein. It affects a nucleotide within the consensus splice site. This variant is not present in population databases (gnomAD no frequency). This variant has not been reported in the literature in individuals affected with NF1-related conditions. ClinVar contains an entry for this variant (Variation ID: 1039165). Variants that disrupt the consensus splice site are a relatively common cause of aberrant splicing (PMID: 17576681, 9536098). Algorithms developed to predict the effect of sequence changes on RNA splicing suggest that this variant may disrupt the consensus splice site. In summary, the available evidence is currently insufficient to determine the role of this variant in disease. Therefore, it has been classified as a Variant of Uncertain Significance.

Literature cited by the submitters: PubMed 17576681; PubMed 9536098.

NM_001042492.3(NF1):c.3708+4A>G

Gene: NF1 (neurofibromin 1; plus strand). Cytogenetic location: 17q11.2.
Variant type: single nucleotide variant.
Coding change: c.3708+4A>G on transcript NM_001042492.3 (MANE Select); 4 bases into the intron after coding-DNA position 3708, A replaced by G.
Molecular consequence: intron variant.
Genome position (GRCh38, 1-based): chr17:31,233,217, A>G. VCF-style: chr17-31233217-A-G. GRCh37 (hg19) VCF-style: chr17-29560235-A-G.
Other names: c.3708+4A>G (NM_000267.4).
Identifiers: ClinVar variation 1039165 (VCV001039165.5), dbSNP rs2067145705, ClinGen allele CA2255570893.